The following is an entry in ClinVar:

NM_000135.4(FANCA):c.334C>T (p.Leu112Phe)

Gene: FANCA (FA complementation group A; minus strand). Cytogenetic location: 16q24.3.
Variant type: single nucleotide variant.
Coding change: c.334C>T on transcript NM_000135.4 (MANE Select); coding-DNA position 334, C replaced by T.
Protein change: p.Leu112Phe; replaces leucine 112 with phenylalanine.
Molecular consequence: missense variant.
Genome position (GRCh38, 1-based): chr16:89,811,021, G>A on the plus strand (C>T on the coding strand, the complement: FANCA is on the minus strand). VCF-style: chr16-89811021-G-A. GRCh37 (hg19) VCF-style: chr16-89877429-G-A.
Other names: c.334C>T, p.Leu112Phe (NM_001018112.3, NM_001286167.3, NM_001351830.2); short protein forms L112F.
Identifiers: ClinVar variation 4022111 (VCV004022111.2).

ClinVar aggregate classification (germline): Uncertain significance. Review status: criteria provided, multiple submitters, no conflicts (2 of 4 stars). 2 submissions from 2 submitters: Uncertain significance (2). Last evaluated 2025-11-15.

Conditions:
Fanconi anemia (FA). Also called: Fanconi's anemia. Identifiers: Orphanet 84, MedGen C0015625, MeSH D005199, MONDO:0019391.
Inborn genetic diseases. Identifiers: MedGen C0950123, MeSH D030342.

gnomAD v4.1: 5 of 1,614,046 alleles (0.00031%); highest among the groups gnomAD compares: South Asian, 0.0044%; no homozygotes.

Submissions (2):

Labcorp Genetics (formerly Invitae), Labcorp
Classification: Uncertain significance for Fanconi anemia. Last evaluated: 2025-11-15. Review status: criteria provided, single submitter. Criteria: Invitae Variant Classification Sherloc (09022015). Collection method: clinical testing. Allele origin: germline.
Comment: This sequence change replaces leucine, which is neutral and non-polar, with phenylalanine, which is neutral and non-polar, at codon 112 of the FANCA protein (p.Leu112Phe). This variant is present in population databases (rs759763556, gnomAD 0.003%). This variant has not been reported in the literature in individuals affected with FANCA-related conditions. ClinVar contains an entry for this variant (Variation ID: 4022111). Invitae Evidence Modeling of protein sequence and biophysical properties (such as structural, functional, and spatial information, amino acid conservation, physicochemical variation, residue mobility, and thermodynamic stability) has been performed for this missense variant. However, the output from this modeling did not meet the statistical confidence thresholds required to predict the impact of this variant on FANCA protein function. In summary, the available evidence is currently insufficient to determine the role of this variant in disease. Therefore, it has been classified as a Variant of Uncertain Significance.

Ambry Genetics
Classification: Uncertain significance for Inborn genetic diseases. Last evaluated: 2025-03-26. Review status: criteria provided, single submitter. Criteria: Ambry Variant Classification Scheme 2023. Collection method: clinical testing. Allele origin: germline.
Comment: The p.L112F variant (also known as c.334C>T), located in coding exon 4 of the FANCA gene, results from a C to T substitution at nucleotide position 334. The leucine at codon 112 is replaced by phenylalanine, an amino acid with highly similar properties. This amino acid position is conserved. In addition, the in silico prediction for this alteration is inconclusive. Based on the available evidence, the clinical significance of this variant remains unclear.